The following is an entry in ClinVar:

NM_002474.3(MYH11):c.387A>G (p.Lys129=)

Gene: MYH11 (myosin heavy chain 11; minus strand). Cytogenetic location: 16p13.11.
Variant type: single nucleotide variant.
Coding change: c.387A>G on transcript NM_002474.3 (MANE Select); coding-DNA position 387, A replaced by G.
Protein change: p.Lys129=; no amino-acid change (lysine 129 retained).
Molecular consequence: synonymous variant.
Genome position (GRCh38, 1-based): chr16:15,823,370, T>C on the plus strand (A>G on the coding strand, the complement: MYH11 is on the minus strand). VCF-style: chr16-15823370-T-C. GRCh37 (hg19) VCF-style: chr16-15917227-T-C.
Other names: p.K129K:AAA>AAG; p.Lys129=; c.387A>G, p.Lys129= (NM_001040113.2, NM_001040114.2, NM_022844.3).
Identifiers: ClinVar variation 138365 (VCV000138365.37), dbSNP rs78754138, ClinGen allele CA292351.

ClinVar aggregate classification (germline): Benign/Likely benign. Review status: criteria provided, multiple submitters, no conflicts (2 of 4 stars). 15 submissions from 15 submitters: Benign (11); Likely benign (2). 2 of the submissions do not count toward it. Last evaluated 2026-02-03.

Conditions:
Aortic aneurysm, familial thoracic 4 (AAT4). Also called: AORTIC ANEURYSM/AORTIC DISSECTION AND PATENT DUCTUS ARTERIOSUS. Identifiers: MedGen C1851504, MONDO:0007568, OMIM 132900.
Familial thoracic aortic aneurysm and aortic dissection (TAAD). Also called: Thoracic aortic aneurysms and dissections. Identifiers: Orphanet 91387, MedGen C4707243, MONDO:0019625.

Allele frequency attached by ClinVar (database versions not stated): gnomAD exomes 0.00086 and 0.00247; ExAC 0.00299; gnomAD 0.00965 and 0.01024; TOPMed 0.01074; ESP Exome Variant Server 0.01131; 1000 Genomes Project 0.01158; 1000 Genomes Project 30x 0.01234.
gnomAD v4.1: 2,818 of 1,614,070 alleles (0.17%); highest among the groups gnomAD compares: African/African-American, 3.2%; 41 homozygotes.

Submissions (15):

Labcorp Genetics (formerly Invitae), Labcorp
Classification: Benign for Aortic aneurysm, familial thoracic 4. Last evaluated: 2026-02-03. Review status: criteria provided, single submitter. Criteria: Invitae Variant Classification Sherloc (09022015). Collection method: clinical testing. Allele origin: germline.

Molecular Diagnostic Laboratory for Inherited Cardiovascular Disease, Montreal Heart Institute
Classification: Benign. Last evaluated: 2025-04-09. Review status: criteria provided, single submitter. Criteria: ACMG Guidelines, 2015. Collection method: clinical testing. Allele origin: germline. Affected: no.

ARUP Laboratories, Molecular Genetics and Genomics, ARUP Laboratories
Classification: Benign. Last evaluated: 2024-07-08. Review status: criteria provided, single submitter. Criteria: ARUP Molecular Germline Variant Investigation Process 2024. Collection method: clinical testing. Allele origin: germline.

All of Us Research Program, National Institutes of Health
Classification: Benign for Familial thoracic aortic aneurysm and aortic dissection. Last evaluated: 2024-02-05. Review status: criteria provided, single submitter. Criteria: ACMG Guidelines, 2015. Collection method: clinical testing. Allele origin: germline. Inheritance: Autosomal dominant inheritance. Observed: 580 variant alleles, 568 heterozygotes, 12 homozygotes.
Comment: This study involves interpretation of variants in research participants for the purpose of population health screening. Participant phenotype was not available at the time of variant classification. Additional details can be found in publication PMID: 35346344, PMCID: PMC8962531

Color Diagnostics, LLC DBA Color Health
Classification: Benign for Familial thoracic aortic aneurysm and aortic dissection. Last evaluated: 2018-03-16. Review status: criteria provided, single submitter. Criteria: ACMG Guidelines, 2015. Collection method: clinical testing. Allele origin: germline.

Illumina Laboratory Services, Illumina
Classification: Likely benign for Aortic aneurysm, familial thoracic 4. Last evaluated: 2018-01-13. Review status: criteria provided, single submitter. Criteria: ICSL Variant Classification Criteria 13 December 2019. Collection method: clinical testing. Allele origin: germline.
Comment: This variant was observed in the ICSL laboratory as part of a predisposition screen in an ostensibly healthy population. It had not been previously curated by ICSL or reported in the Human Gene Mutation Database (HGMD: prior to June 1st, 2018), and was therefore a candidate for classification through an automated scoring system. Utilizing variant allele frequency, disease prevalence and penetrance estimates, and inheritance mode, an automated score was calculated to assess if this variant is too frequent to cause the disease. Based on the score and internal cut-off values, a variant classified as likely benign is not then subjected to further curation. The score for this variant resulted in a classification of likely benign for this disease.

Women's Health and Genetics/Laboratory Corporation of America, LabCorp
Classification: Benign. Last evaluated: 2016-09-06. Review status: criteria provided, single submitter. Criteria: LabCorp Variant Classification Summary - May 2015. Collection method: clinical testing. Allele origin: germline.
Comment: Variant summary: The MYH11 c.387A>G (p.Lys129Lys) variant involves the alteration of a non-conserved nucleotide, resulting in a synonymous change. One in silico tool predicts a damaging outcome for this variant. 4/5 splice prediction tools predict no significant impact on normal splicing. ESE finder predicts that this variant may affect ESE site of SRp40. However, these predictions have yet to be confirmed by functional studies. This variant was found in 363/121412 control chromosomes (4 homozygotes) at a frequency of 0.0029898, which is approximately 2392 times the estimated maximal expected allele frequency of a pathogenic MYH11 variant (0.0000013), suggesting this variant is likely a benign polymorphism. In addition, multiple clinical diagnostic laboratories classified this variant as benign. The variant of interest has not, to our knowledge, been reported in affected individuals via publications and/or reputable databases/clinical diagnostic laboratories; nor evaluated for functional impact by in vivo/vitro studies. Taken together, this variant is classified as benign.

CHEO Genetics Diagnostic Laboratory, Children's Hospital of Eastern Ontario
Classification: Benign for Familial thoracic aortic aneurysm and aortic dissection. Last evaluated: 2016-07-04. Review status: criteria provided, single submitter. Criteria: ACMG Guidelines, 2015. Collection method: clinical testing. Allele origin: germline. Study: Canadian Open Genetics Repository.

Mayo Clinic Laboratories, Mayo Clinic
Classification: Benign. Last evaluated: 2016-03-22. Review status: criteria provided, single submitter. Criteria: ACMG Guidelines, 2015. Collection method: clinical testing. Allele origin: germline. Observed: 7 variant alleles.

Ambry Genetics
Classification: Benign for Familial thoracic aortic aneurysm and aortic dissection. Last evaluated: 2015-07-20. Review status: criteria provided, single submitter. Criteria: Ambry Variant Classification Scheme 2023. Collection method: clinical testing. Allele origin: germline.

GeneDx
Classification: Benign. Last evaluated: 2014-01-15. Review status: criteria provided, single submitter. Criteria: GeneDx Variant Classification (06012015). Collection method: clinical testing. Allele origin: germline. Affected: yes.
Comment: This variant is considered likely benign or benign based on one or more of the following criteria: it is a conservative change, it occurs at a poorly conserved position in the protein, it is predicted to be benign by multiple in silico algorithms, and/or has population frequency not consistent with disease.

Breakthrough Genomics
Classification: Likely benign. Review status: criteria provided, single submitter. Criteria: ACMG Guidelines, 2015. Collection method: not provided. Allele origin: germline. Inheritance: Autosomal recessive inheritance. Affected: yes.

PreventionGenetics, part of Exact Sciences
Classification: Benign. Review status: criteria provided, single submitter. Criteria: ACMG Guidelines, 2015. Collection method: clinical testing. Allele origin: germline.

Genome Diagnostics Laboratory, Amsterdam University Medical Center
Classification: Benign. Review status: no assertion criteria provided. Collection method: clinical testing. Allele origin: germline. Affected: yes. Study: VKGL Data-share Consensus. Not counted in ClinVar's aggregate classification.

Genome Diagnostics Laboratory, University Medical Center Utrecht
Classification: Benign. Review status: no assertion criteria provided. Collection method: clinical testing. Allele origin: germline. Affected: yes. Study: VKGL Data-share Consensus. Not counted in ClinVar's aggregate classification.